The following is an entry in ClinVar:

NM_003722.5(TP63):c.721G>A (p.Val241Met)

Gene: TP63 (tumor protein p63; plus strand). Cytogenetic location: 3q28.
Variant type: single nucleotide variant.
Coding change: c.721G>A on transcript NM_003722.5 (MANE Select); coding-DNA position 721, G replaced by A.
Protein change: p.Val241Met; replaces valine 241 with methionine.
Molecular consequence: missense variant.
Genome position (GRCh38, 1-based): chr3:189,864,373, G>A. VCF-style: chr3-189864373-G-A. GRCh37 (hg19) VCF-style: chr3-189582162-G-A.
Other names: c.721G>A, p.Val241Met (NM_001114978.2, NM_001114979.2, NM_001329144.2 and 1 more transcripts); c.439G>A, p.Val147Met (NM_001114980.2, NM_001114981.2, NM_001114982.2 and 2 more transcripts); c.184G>A, p.Val62Met (NM_001329146.2, NM_001329150.2); c.715G>A, p.Val239Met (NM_001329964.2); short protein forms V239M, V62M, V241M, V147M.
Identifiers: ClinVar variation 3720549 (VCV003720549.1).

ClinVar aggregate classification (germline): Uncertain significance (1 of 4 stars; one submission).

Conditions:
TP63-Related Spectrum Disorders.

Submission:

Labcorp Genetics (formerly Invitae), Labcorp
Classification: Uncertain significance. Last evaluated: 2024-06-15. Review status: criteria provided, single submitter. Criteria: Invitae Variant Classification Sherloc (09022015). Collection method: clinical testing. Allele origin: germline.
Comment: This sequence change replaces valine, which is neutral and non-polar, with methionine, which is neutral and non-polar, at codon 241 of the TP63 protein (p.Val241Met). This variant is not present in population databases (gnomAD no frequency). This missense change has been observed in individual(s) with clinical features of ectrodactyly-ectodermal dysplasia syndrome (PMID: 12037717; Invitae). This variant is also known as V202M. Advanced modeling of protein sequence and biophysical properties (such as structural, functional, and spatial information, amino acid conservation, physicochemical variation, residue mobility, and thermodynamic stability) has been performed at Invitae for this missense variant, however the output from this modeling did not meet the statistical confidence thresholds required to predict the impact of this variant on TP63 protein function. In summary, the available evidence is currently insufficient to determine the role of this variant in disease. Therefore, it has been classified as a Variant of Uncertain Significance.

Literature cited by the submitters: PubMed 12037717.